The following is an entry in ClinVar:

ClinVar aggregate classification (germline): Uncertain significance. Review status: criteria provided, multiple submitters, no conflicts (2 of 4 stars). 2 submissions from 2 submitters: Uncertain significance (2). Last evaluated 2026-03-01.

Allele frequency attached by ClinVar (database versions not stated): gnomAD exomes 0.00002 and 0.00004; gnomAD 0.00004; ExAC 0.00005.
gnomAD v4.1: 30 of 1,613,328 alleles (0.0019%); highest among the groups gnomAD compares: Admixed American, 0.005%; no homozygotes.

Submissions (2):

CeGaT Center for Human Genetics Tuebingen
Classification: Uncertain significance. Last evaluated: 2026-03-01. Review status: criteria provided, single submitter. Criteria: CeGaT Center For Human Genetics Tuebingen Variant Classification Criteria Version 2. Collection method: clinical testing. Allele origin: germline. Affected: yes. Observed: 1 variant allele.
Comment: MYO18B: PM2

Labcorp Genetics (formerly Invitae), Labcorp
Classification: Uncertain significance. Last evaluated: 2022-07-09. Review status: criteria provided, single submitter. Criteria: Invitae Variant Classification Sherloc (09022015). Collection method: clinical testing. Allele origin: germline.
Comment: In summary, the available evidence is currently insufficient to determine the role of this variant in disease. Therefore, it has been classified as a Variant of Uncertain Significance. Algorithms developed to predict the effect of missense changes on protein structure and function are either unavailable or do not agree on the potential impact of this missense change (SIFT: "Not Available"; PolyPhen-2: "Probably Damaging"; Align-GVGD: "Not Available"). ClinVar contains an entry for this variant (Variation ID: 1476861). This variant has not been reported in the literature in individuals affected with MYO18B-related conditions. This variant is present in population databases (rs780958841, gnomAD 0.01%). This sequence change replaces valine, which is neutral and non-polar, with methionine, which is neutral and non-polar, at codon 2254 of the MYO18B protein (p.Val2254Met).

NM_032608.7(MYO18B):c.6760G>A (p.Val2254Met)

Gene: MYO18B (myosin XVIIIB; plus strand). Cytogenetic location: 22q12.1.
Variant type: single nucleotide variant.
Coding change: c.6760G>A on transcript NM_032608.7 (MANE Select); coding-DNA position 6760, G replaced by A.
Protein change: p.Val2254Met; replaces valine 2254 with methionine.
Molecular consequence: missense variant.
Genome position (GRCh38, 1-based): chr22:26,026,734, G>A. VCF-style: chr22-26026734-G-A. GRCh37 (hg19) VCF-style: chr22-26422700-G-A.
Other names: c.6763G>A, p.Val2255Met (NM_001318245.2); short protein forms V2255M, V2254M.
Identifiers: ClinVar variation 1476861 (VCV001476861.8), dbSNP rs780958841, ClinGen allele CA10161608.